The following is an entry in ClinVar:

NM_001112741.2(KCNC1):c.1658A>T (p.Glu553Val)

Gene: KCNC1 (potassium voltage-gated channel subfamily C member 1; plus strand). Cytogenetic location: 11p15.1.
Variant type: single nucleotide variant.
Coding change: c.1658A>T on transcript NM_001112741.2 (MANE Select); coding-DNA position 1658, A replaced by T.
Protein change: p.Glu553Val; replaces glutamic acid 553 with valine.
Molecular consequence: missense variant.
Genome position (GRCh38, 1-based): chr11:17,779,609, A>T. VCF-style: chr11-17779609-A-T. GRCh37 (hg19) VCF-style: chr11-17801156-A-T.
Other names: short protein forms E553V.
Identifiers: ClinVar variation 3632994 (VCV003632994.2).

ClinVar aggregate classification (germline): Uncertain significance (1 of 4 stars; one submission).

Conditions:
Progressive myoclonic epilepsy type 7. Identifiers: Orphanet 435438, MedGen C4015420, MONDO:0014521, OMIM 616187.

Submission:

Labcorp Genetics (formerly Invitae), Labcorp
Classification: Uncertain significance for Progressive myoclonic epilepsy type 7. Last evaluated: 2024-06-28. Review status: criteria provided, single submitter. Criteria: Invitae Variant Classification Sherloc (09022015). Collection method: clinical testing. Allele origin: germline.
Comment: This sequence change replaces glutamic acid, which is acidic and polar, with valine, which is neutral and non-polar, at codon 553 of the KCNC1 protein (p.Glu553Val). This variant is not present in population databases (gnomAD no frequency). This variant has not been reported in the literature in individuals affected with KCNC1-related conditions. Advanced modeling of protein sequence and biophysical properties (such as structural, functional, and spatial information, amino acid conservation, physicochemical variation, residue mobility, and thermodynamic stability) performed at Invitae indicates that this missense variant is expected to disrupt KCNC1 protein function with a positive predictive value of 95%. In summary, the available evidence is currently insufficient to determine the role of this variant in disease. Therefore, it has been classified as a Variant of Uncertain Significance.